The following is an entry in ClinVar:

NM_005609.4(PYGM):c.687G>C (p.Thr229=)

Gene: PYGM (glycogen phosphorylase, muscle associated; minus strand). Cytogenetic location: 11q13.1.
Variant type: single nucleotide variant.
Coding change: c.687G>C on transcript NM_005609.4 (MANE Select); coding-DNA position 687, G replaced by C.
Protein change: p.Thr229=; no amino-acid change (threonine 229 retained).
Molecular consequence: synonymous variant.
Genome position (GRCh38, 1-based): chr11:64,755,532, C>G on the plus strand (G>C on the coding strand, the complement: PYGM is on the minus strand). VCF-style: chr11-64755532-C-G. GRCh37 (hg19) VCF-style: chr11-64523004-C-G.
Other names: c.423G>C, p.Thr141= (NM_001164716.1).
Identifiers: ClinVar variation 507993 (VCV000507993.4), dbSNP rs764624576, ClinGen allele CA474959512.
Genomic context (GRCh38, chr11:64,755,532, plus strand): 5'-AGCCTTGGCAGACCAGAGGCGCATGGTGTTGACAACATTGTTGCGATAGCCAGGCACGGG[C>G]GTATCGTAGGGCATGGCCAGTACCACCTGCGGGGGGCAATCCTGTCAGGAGCTGGCCAGC-3'
Protein context (NP_005600.1, residues 219-239): TQVVLAMPYD[Thr229=]PVPGYRNNVV

ClinVar aggregate classification (germline): Likely benign. Review status: criteria provided, multiple submitters, no conflicts (2 of 4 stars). 2 submissions from 2 submitters: Likely benign (2). Last evaluated 2023-07-19.

Conditions:
Glycogen storage disease, type V (GSD5). Also called: McArdle type glycogen storage disease; MCARDLE DISEASE; MUSCLE GLYCOGEN PHOSPHORYLASE DEFICIENCY; MYOPHOSPHORYLASE DEFICIENCY; PYGM DEFICIENCY. Identifiers: Orphanet 368, MedGen C0017924, MONDO:0009293, OMIM 232600.

Allele frequency attached by ClinVar (database versions not stated): TOPMed 0.00001.
gnomAD v4.1: 3 of 1,614,074 alleles (0.00019%); highest among the groups gnomAD compares: Non-Finnish European, 0.00025%; no homozygotes.

Submissions (2):

Labcorp Genetics (formerly Invitae), Labcorp
Classification: Likely benign for Glycogen storage disease, type V. Last evaluated: 2023-07-19. Review status: criteria provided, single submitter. Criteria: Invitae Variant Classification Sherloc (09022015). Collection method: clinical testing. Allele origin: germline.

GeneDx
Classification: Likely benign. Last evaluated: 2017-03-28. Review status: criteria provided, single submitter. Criteria: GeneDx Variant Classification (06012015). Collection method: clinical testing. Allele origin: germline. Affected: yes.
Comment: This variant is considered likely benign or benign based on one or more of the following criteria: it is a conservative change, it occurs at a poorly conserved position in the protein, it is predicted to be benign by multiple in silico algorithms, and/or has population frequency not consistent with disease.